The following is an entry in ClinVar:

ClinVar aggregate classification (germline): Uncertain significance (1 of 4 stars; one submission).

Submission:

Labcorp Genetics (formerly Invitae), Labcorp
Classification: Uncertain significance. Last evaluated: 2024-12-02. Review status: criteria provided, single submitter. Criteria: Invitae Variant Classification Sherloc (09022015). Collection method: clinical testing. Allele origin: germline.
Comment: This sequence change replaces glutamine, which is neutral and polar, with lysine, which is basic and polar, at codon 136 of the COL11A2 protein (p.Gln136Lys). This variant is not present in population databases (gnomAD no frequency). This variant has not been reported in the literature in individuals affected with COL11A2-related conditions. ClinVar contains an entry for this variant (Variation ID: 1516042). Invitae Evidence Modeling of protein sequence and biophysical properties (such as structural, functional, and spatial information, amino acid conservation, physicochemical variation, residue mobility, and thermodynamic stability) indicates that this missense variant is not expected to disrupt COL11A2 protein function with a negative predictive value of 95%. In summary, the available evidence is currently insufficient to determine the role of this variant in disease. Therefore, it has been classified as a Variant of Uncertain Significance.

NM_080680.3(COL11A2):c.406C>A (p.Gln136Lys)

Gene: COL11A2 (collagen type XI alpha 2 chain; minus strand). Cytogenetic location: 6p21.32.
Variant type: single nucleotide variant.
Coding change: c.406C>A on transcript NM_080680.3 (MANE Select); coding-DNA position 406, C replaced by A.
Protein change: p.Gln136Lys; replaces glutamine 136 with lysine.
Molecular consequence: missense variant.
Genome position (GRCh38, 1-based): chr6:33,189,015, G>T on the plus strand (C>A on the coding strand, the complement: COL11A2 is on the minus strand). VCF-style: chr6-33189015-G-T. GRCh37 (hg19) VCF-style: chr6-33156792-G-T.
Other names: c.406C>A, p.Gln136Lys (NM_001163771.2, NM_080679.3, NM_080681.3); short protein forms Q136K.
Identifiers: ClinVar variation 1516042 (VCV001516042.6), dbSNP rs2150622896, ClinGen allele CA363612285.